The following is an entry in ClinVar:

ClinVar aggregate classification (germline): Uncertain significance (1 of 4 stars; one submission).

Conditions:
Developmental delay with dysmorphic facies and dental anomalies. Identifiers: MedGen C5543197, MONDO:0030988, OMIM 619228.

Submission:

3billion
Classification: Uncertain significance for Developmental delay with dysmorphic facies and dental anomalies. Last evaluated: 2025-09-15. Review status: criteria provided, single submitter. Criteria: ACMG Guidelines, 2015. Collection method: clinical testing. Allele origin: germline. Affected: yes.
Comment: The variant is not observed in the gnomAD v4.1.0 dataset. Predicted Consequence/Location: Missense variant In silico tool predictions suggest damaging effect of the variant on gene or gene product [3Cnet: 0.99 (> 0.75, sensitivity 0.96 and precision 0.92)]. Therefore, this variant is classified as VUS according to the recommendation of ACMG/AMP guideline.

NM_002971.6(SATB1):c.1684G>A (p.Glu562Lys)

Gene: SATB1 (SATB homeobox 1; minus strand). Cytogenetic location: 3p24.3.
Variant type: single nucleotide variant.
Coding change: c.1684G>A on transcript NM_002971.6 (MANE Select); coding-DNA position 1684, G replaced by A.
Protein change: p.Glu562Lys; replaces glutamic acid 562 with lysine.
Molecular consequence: missense variant.
Genome position (GRCh38, 1-based): chr3:18,352,087, C>T on the plus strand (G>A on the coding strand, the complement: SATB1 is on the minus strand). VCF-style: chr3-18352087-C-T. GRCh37 (hg19) VCF-style: chr3-18393579-C-T.
Other names: c.1684G>A, p.Glu562Lys (NM_001131010.4, NM_001195470.3, NM_001322871.2 and 4 more transcripts); c.1468G>A, p.Glu490Lys (NM_001322876.2); short protein forms E490K, E562K.
Identifiers: ClinVar variation 4856300 (VCV004856300.1).